The following is an entry in ClinVar:

ClinVar aggregate classification (germline): Uncertain significance (1 of 4 stars; one submission).

Allele frequency attached by ClinVar (database versions not stated): gnomAD exomes below 0.00001; ExAC 0.00001.
gnomAD v4.1: 3 of 1,613,872 alleles (0.00019%); highest among the groups gnomAD compares: South Asian, 0.0022%; no homozygotes.

Submission:

Ambry Genetics
Classification: Uncertain significance. Last evaluated: 2023-11-16. Review status: criteria provided, single submitter. Criteria: Ambry Variant Classification Scheme 2023. Collection method: clinical testing. Allele origin: germline.
Comment: The p.E474K variant (also known as c.1420G>A), located in coding exon 1 of the MLH3 gene, results from a G to A substitution at nucleotide position 1420. The glutamic acid at codon 474 is replaced by lysine, an amino acid with similar properties. This amino acid position is conserved. In addition, this alteration is predicted to be tolerated by in silico analysis. Since supporting evidence is limited at this time, the clinical significance of this alteration remains unclear.

NM_001040108.2(MLH3):c.1420G>A (p.Glu474Lys)

Gene: MLH3 (mutL homolog 3; minus strand). Cytogenetic location: 14q24.3.
Variant type: single nucleotide variant.
Coding change: c.1420G>A on transcript NM_001040108.2 (MANE Select); coding-DNA position 1420, G replaced by A.
Protein change: p.Glu474Lys; replaces glutamic acid 474 with lysine.
Molecular consequence: missense variant.
Genome position (GRCh38, 1-based): chr14:75,048,236, C>T on the plus strand (G>A on the coding strand, the complement: MLH3 is on the minus strand). VCF-style: chr14-75048236-C-T. GRCh37 (hg19) VCF-style: chr14-75514939-C-T.
Other names: c.1420G>A, p.Glu474Lys (NM_014381.3); short protein forms E474K.
Identifiers: ClinVar variation 3232441 (VCV003232441.1), dbSNP rs754772376, ClinGen allele CA7275878.
Genomic context (GRCh38, chr14:75,048,236, plus strand): 5'-GTTCCAGGAAAGATTTTTTATGTTTCTCATTTTCTCCAGCTTCTGATGCTACAATTGTCT[C>T]TTGTTCTAACATCTTTGATTCTGAGCAAGAGCTGTCTTTGTTTTGTAAAGATGGCTCTGT-3'
Protein context (NP_001035197.1, residues 464-484): SCSESKMLEQ[Glu474Lys]TIVASEAGEN